The following is an entry in ClinVar:

NM_001128205.2(SULF1):c.2518C>G (p.Gln840Glu)

Gene: SULF1 (sulfatase 1; plus strand). Cytogenetic location: 8q13.3.
Variant type: single nucleotide variant.
Coding change: c.2518C>G on transcript NM_001128205.2 (MANE Select); coding-DNA position 2518, C replaced by G.
Protein change: p.Gln840Glu; replaces glutamine 840 with glutamic acid.
Molecular consequence: missense variant. On other transcripts: non-coding transcript variant (3).
Genome position (GRCh38, 1-based): chr8:69,638,825, C>G. VCF-style: chr8-69638825-C-G. GRCh37 (hg19) VCF-style: chr8-70551060-C-G.
Other names: c.2518C>G, p.Gln840Glu (NM_001128204.2, NM_001128206.2, NM_001412828.1 and 7 more transcripts); c.2389C>G, p.Gln797Glu (NM_001412832.1, NM_001412838.1, NM_001412839.1 and 1 more transcripts); c.2461C>G, p.Gln821Glu (NM_001412836.1, NM_001412837.1); c.2332C>G, p.Gln778Glu (NM_001412841.1, NM_001412842.1); c.*2C>G (NM_001412843.1, NM_001412850.1, NM_001412851.1); c.1918C>G, p.Gln640Glu (NM_001412844.1, NM_001412845.1); c.727C>G, p.Gln243Glu (NM_001412846.1); short protein forms Q243E, Q640E, Q778E, Q797E, Q840E, Q821E.
Identifiers: ClinVar variation 2040747 (VCV002040747.1), dbSNP rs748233285, ClinGen allele CA4776172.
Genomic context (GRCh38, chr8:69,638,825, plus strand): 5'-GGCATTTTGAATCAGCTACACGTACAACTAATGGAGCTCAGAAGCTGTCAAGGATATAAG[C>G]AGTGCAACCCAAGACCTAAGAATCTTGATGTTGGTAAGGAAAAAAATACTATTTTTTCTA-3'
Protein context (NP_001121677.1, residues 830-850): MELRSCQGYK[Gln840Glu]CNPRPKNLDV

ClinVar aggregate classification (germline): Uncertain significance (1 of 4 stars; one submission).

Allele frequency attached by ClinVar (database versions not stated): gnomAD exomes below 0.00001.
gnomAD v4.1: 2 of 1,613,736 alleles (0.00012%); highest among the groups gnomAD compares: South Asian, 0.0011%; no homozygotes.

Submission:

Labcorp Genetics (formerly Invitae), Labcorp
Classification: Uncertain significance. Last evaluated: 2022-07-06. Review status: criteria provided, single submitter. Criteria: Invitae Variant Classification Sherloc (09022015). Collection method: clinical testing. Allele origin: germline.
Comment: This sequence change replaces glutamine, which is neutral and polar, with glutamic acid, which is acidic and polar, at codon 840 of the SULF1 protein (p.Gln840Glu). This variant is present in population databases (rs748233285, gnomAD 0.003%). This variant has not been reported in the literature in individuals affected with SULF1-related conditions. Algorithms developed to predict the effect of missense changes on protein structure and function (SIFT, PolyPhen-2, Align-GVGD) all suggest that this variant is likely to be tolerated. In summary, the available evidence is currently insufficient to determine the role of this variant in disease. Therefore, it has been classified as a Variant of Uncertain Significance.